The following is an entry in ClinVar:

ClinVar aggregate classification (germline): Likely pathogenic (1 of 4 stars; one submission).

Conditions:
Cone-rod dystrophy and hearing loss 2 (CRDHL2). Identifiers: MedGen C5193051, MONDO:0020780, OMIM 618358.

Submission:

Juno Genomics, Hangzhou Juno Genomics, Inc
Classification: Likely pathogenic for Cone-rod dystrophy and hearing loss 2. Review status: criteria provided, single submitter. Criteria: ACMG Guidelines, 2015. Collection method: clinical testing. Allele origin: germline.
Comment: Absent from controls (or at extremely low frequency if recessive) in Genome Aggregation Database.;Null variant in a gene where loss of function (LOF) is a known mechanism of disease.

NM_007186.6(CEP250):c.4704del (p.Met1569fs)

Gene: CEP250 (centrosomal protein 250; plus strand). Cytogenetic location: 20q11.22.
Variant type: Deletion.
Coding change: c.4704del on transcript NM_007186.6 (MANE Select); coding-DNA position 4704, one base deleted (G; older notation c.4704delG).
Protein change: p.Met1569fs; shifts the reading frame from methionine 1569.
Molecular consequence: frameshift variant.
Genome position (GRCh38, 1-based): chr20:35,503,073, G deleted. VCF-style (leftmost placement, unchanged base first): chr20-35503072-AG-A. GRCh37 (hg19) VCF-style: chr20-34090900-AG-A.
Other names: c.2808del, p.Met937fs (NM_001318219.1); short protein forms M1569fs, M937fs.
Identifiers: ClinVar variation 5019636 (VCV005019636.2).
Genomic context (GRCh38, chr20:35,503,072, plus strand): 5'-TGAAAAAGCAGTTGGTTACTCTGGAATGCCTGGCCCTGGAACTGGAGGAAAACCATCACA[AG>A]ATGGAGTGCCAGCAAAAACTGATCAAGGAGCTGGAGGGCCAGAGGGAAACCCAGAGAGTG-3'